The following is an entry in ClinVar:

NM_001165963.4(SCN1A):c.5567T>A (p.Met1856Lys)

Genes: SCN1A (sodium voltage-gated channel alpha subunit 1; minus strand), LOC102724058 (uncharacterized LOC102724058; plus strand). Cytogenetic location: 2q24.3.
Variant type: single nucleotide variant.
Coding change: c.5567T>A on transcript NM_001165963.4 (MANE Select); coding-DNA position 5567, T replaced by A.
Protein change: p.Met1856Lys; replaces methionine 1856 with lysine.
Molecular consequence: missense variant. On other transcripts: non-coding transcript variant (1).
Genome position (GRCh38, 1-based): chr2:165,991,708, A>T on the plus strand (T>A on the coding strand, the complement: SCN1A is on the minus strand). VCF-style: chr2-165991708-A-T. GRCh37 (hg19) VCF-style: chr2-166848218-A-T.
Other names: p.M1856K:ATG>AAG; c.5483T>A, p.Met1828Lys (NM_001165964.3, NM_001353957.2, NM_001353958.2); c.5567T>A, p.Met1856Lys (NM_001202435.3, NM_001353948.2); c.5534T>A, p.Met1845Lys (NM_001353949.2, NM_001353950.2, NM_001353951.2 and 2 more transcripts); c.5531T>A, p.Met1844Lys (NM_001353954.2, NM_001353955.2); c.5480T>A, p.Met1827Lys (NM_001353960.2); c.3125T>A, p.Met1042Lys (NM_001353961.2); short protein forms M1845K, M1856K, M1828K, M1844K, M1042K, M1827K.
Identifiers: ClinVar variation 206869 (VCV000206869.3), dbSNP rs796053041, ClinGen allele CA317621.
Genomic context (GRCh38, chr2:165,991,708, plus strand): 5'-AGAACCCGCTTTGTAAAAGCAAATAAGATATCAAGACAGTGGATCCGGTCACCACTCACC[A>T]TGGGCAAATCCATGGCAATGAGCTGGAGTTTGTTTGGTTGTGGCAGATTGAGAGGCGGTT-3'
Protein context (NP_001159435.1, residues 1846-1866): KLQLIAMDLP[Met1856Lys]VSGDRIHCLD

ClinVar aggregate classification (germline): Likely pathogenic (1 of 4 stars; one submission).

Submission:

GeneDx
Classification: Likely pathogenic. Last evaluated: 2025-02-20. Review status: criteria provided, single submitter. Criteria: GeneDx Variant Classification Process June 2021. Collection method: clinical testing. Allele origin: germline. Affected: yes.
Comment: Not observed at significant frequency in large population cohorts (gnomAD); In silico analysis supports that this missense variant has a deleterious effect on protein structure/function; This substitution is predicted to be within the C-terminal cytoplasmic domain; This variant is associated with the following publications: (PMID: 29655203)